The following is an entry in ClinVar:

ClinVar aggregate classification (germline): Uncertain significance (1 of 4 stars; one submission).

Allele frequency attached by ClinVar (database versions not stated): gnomAD exomes below 0.00001 and 0.00001; ExAC 0.00001; gnomAD 0.00001.
gnomAD v4.1: 19 of 1,614,096 alleles (0.0012%); highest among the groups gnomAD compares: South Asian, 0.0044%; no homozygotes.

Submission:

Labcorp Genetics (formerly Invitae), Labcorp
Classification: Uncertain significance. Last evaluated: 2021-10-03. Review status: criteria provided, single submitter. Criteria: Invitae Variant Classification Sherloc (09022015). Collection method: clinical testing. Allele origin: germline.
Comment: This sequence change replaces threonine with isoleucine at codon 92 of the MCM3AP protein (p.Thr92Ile). The threonine residue is weakly conserved and there is a moderate physicochemical difference between threonine and isoleucine. In summary, the available evidence is currently insufficient to determine the role of this variant in disease. Therefore, it has been classified as a Variant of Uncertain Significance. Algorithms developed to predict the effect of missense changes on protein structure and function are either unavailable or do not agree on the potential impact of this missense change (SIFT: "Deleterious"; PolyPhen-2: "Benign"; Align-GVGD: "Class C0"). This variant has not been reported in the literature in individuals affected with MCM3AP-related conditions. This variant is present in population databases (rs770418339, ExAC 0.001%).

NM_003906.5(MCM3AP):c.275C>T (p.Thr92Ile)

Gene: MCM3AP (minichromosome maintenance complex component 3 associated protein; minus strand). Cytogenetic location: 21q22.3.
Variant type: single nucleotide variant.
Coding change: c.275C>T on transcript NM_003906.5 (MANE Select); coding-DNA position 275, C replaced by T.
Protein change: p.Thr92Ile; replaces threonine 92 with isoleucine.
Molecular consequence: missense variant.
Genome position (GRCh38, 1-based): chr21:46,285,012, G>A on the plus strand (C>T on the coding strand, the complement: MCM3AP is on the minus strand). VCF-style: chr21-46285012-G-A. GRCh37 (hg19) VCF-style: chr21-47704926-G-A.
Other names: short protein forms T92I.
Identifiers: ClinVar variation 1398746 (VCV001398746.4), dbSNP rs770418339, ClinGen allele CA10077378.